The following is an entry in ClinVar:

ClinVar aggregate classification (germline): Likely benign (0 of 4 stars; one submission).

Conditions:
PTPRM-related disorder. Also called: PTPRM-related condition.

Allele frequency attached by ClinVar (database versions not stated): ExAC 0.00007; TOPMed 0.00007; gnomAD 0.00008; gnomAD exomes 0.00010; ESP Exome Variant Server 0.00023.
gnomAD v4.1: 154 of 1,614,022 alleles (0.0095%); highest among the groups gnomAD compares: Non-Finnish European, 0.013%; no homozygotes.

Submission:

PreventionGenetics, part of Exact Sciences
Classification: Likely benign for PTPRM-related condition. Last evaluated: 2019-07-30. Review status: no assertion criteria provided. Collection method: clinical testing. Allele origin: germline.
Comment: This variant is classified as likely benign based on ACMG/AMP sequence variant interpretation guidelines (Richards et al. 2015 PMID: 25741868, with internal and published modifications).

NM_001105244.2(PTPRM):c.1281A>G (p.Glu427=)

Gene: PTPRM (protein tyrosine phosphatase receptor type M; plus strand). Cytogenetic location: 18p11.23.
Variant type: single nucleotide variant.
Coding change: c.1281A>G on transcript NM_001105244.2 (MANE Select); coding-DNA position 1281, A replaced by G.
Protein change: p.Glu427=; no amino-acid change (glutamic acid 427 retained).
Molecular consequence: synonymous variant.
Genome position (GRCh38, 1-based): chr18:8,069,834, A>G. VCF-style: chr18-8069834-A-G. GRCh37 (hg19) VCF-style: chr18-8069832-A-G.
Other names: c.642A>G, p.Glu214= (NM_001378142.1, NM_001378143.1, NM_001378144.1 and 3 more transcripts); c.1281A>G, p.Glu427= (NM_002845.4).
Identifiers: ClinVar variation 3035016 (VCV003035016.2), dbSNP rs375393712, ClinGen allele CA8884068.
Genomic context (GRCh38, chr18:8,069,834, plus strand): 5'-AACTCGTTGCCACAGTTATAATCTCACTGTCCACTACTGTTACCAAGTTGGAGGACAAGA[A>G]CAAGTGCGAGAAGAAGTAAGCTGGGATACAGAAAACTCACACCCTCAACACACGATCACT-3'
Protein context (NP_001098714.1, residues 417-437): VHYCYQVGGQ[Glu427=]QVREEVSWDT